The following is an entry in ClinVar:

ClinVar aggregate classification (germline): Likely benign. Review status: criteria provided, single submitter (1 of 4 stars). 2 submissions from 2 submitters: Likely benign (1). 1 of the submissions does not count toward it. Last evaluated 2024-02-23.

Conditions:
EPG5-related disorder. Also called: EPG5-related condition. Identifiers: MedGen CN381528.
Vici syndrome (VICIS). Identifiers: Orphanet 1493, MedGen C1855772, MONDO:0009452, OMIM 242840.

Allele frequency attached by ClinVar (database versions not stated): gnomAD exomes below 0.00001; TOPMed 0.00001.
gnomAD v4.1: 6 of 1,614,158 alleles (0.00037%); highest among the groups gnomAD compares: African/African-American, 0.004%; no homozygotes.

Submissions (2):

Labcorp Genetics (formerly Invitae), Labcorp
Classification: Likely benign for Vici syndrome. Last evaluated: 2024-02-23. Review status: criteria provided, single submitter. Criteria: Invitae Variant Classification Sherloc (09022015). Collection method: clinical testing. Allele origin: germline.

PreventionGenetics, part of Exact Sciences
Classification: Likely benign for EPG5-related condition. Last evaluated: 2020-02-26. Review status: no assertion criteria provided. Collection method: clinical testing. Allele origin: germline. Not counted in ClinVar's aggregate classification.
Comment: This variant is classified as likely benign based on ACMG/AMP sequence variant interpretation guidelines (Richards et al. 2015 PMID: 25741868, with internal and published modifications).

NM_020964.3(EPG5):c.1080A>C (p.Ala360=)

Gene: EPG5 (ectopic P-granules 5 autophagy tethering factor; minus strand). Cytogenetic location: 18q21.1.
Variant type: single nucleotide variant.
Coding change: c.1080A>C on transcript NM_020964.3 (MANE Select); coding-DNA position 1080, A replaced by C.
Protein change: p.Ala360=; no amino-acid change (alanine 360 retained).
Molecular consequence: synonymous variant.
Genome position (GRCh38, 1-based): chr18:45,952,572, T>G on the plus strand (A>C on the coding strand, the complement: EPG5 is on the minus strand). VCF-style: chr18-45952572-T-G. GRCh37 (hg19) VCF-style: chr18-43532538-T-G.
Other names: c.1080A>C (NM_020964.2); c.1080A>C, p.Ala360= (NM_001410858.1, NM_001410859.1).
Identifiers: ClinVar variation 2875369 (VCV002875369.5), dbSNP rs2050936033, ClinGen allele CA503983915.